The following is an entry in ClinVar:

ClinVar aggregate classification (germline): Benign (1 of 4 stars; one submission).

Conditions:
Leigh syndrome (NULS). Also called: Leigh's necrotizing encephalopathy; Leigh's disease; Leigh's syndrome; LEIGH SYNDROME, NUCLEAR; Leigh Syndrome (mtDNA deletion); Leigh Disease. Identifiers: Orphanet 506, MedGen C2931891, MONDO:0009723, OMIM 256000.

Submission:

Wong Mito Lab, Molecular and Human Genetics, Baylor College of Medicine
Classification: Benign for Leigh syndrome. Last evaluated: 2019-10-17. Review status: criteria provided, single submitter. Criteria: Modified ACMG Guidelines (Unpublished). Collection method: clinical testing. Allele origin: germline.
Comment: The NC_012920.1:m.14553C>T (YP_003024037.1:p.Val41Ile) variant in MTND6 gene is interpretated to be a Benign variant based on the modified ACMG guidelines (unpublished). This variant meets the following evidence codes: BS1, BS4, BP4

NC_012920.1(MT-ND6):m.14553C>T

Gene: MT-ND6 (mitochondrially encoded NADH dehydrogenase 6; minus strand).
Variant type: single nucleotide variant.
Genome position: chrM-14553-C-T.
Identifiers: ClinVar variation 693735 (VCV000693735.1), dbSNP rs1603224787, ClinGen allele CA414823016.
Genomic context (GRCh38, chrMT:14,553, plus strand): 5'-CTAAATAAATTAAAAAAACTATTAAACCCATATAACCTCCCCCAAAATTCAGAATAATAA[C>T]ACACCCGACCACACCGCTAACAATCAATACTAAACCCCCATAAATAGGAGAAGGCTTAGA-3'